The following is an entry in ClinVar:

NM_001377530.1(DMBT1):c.7530G>A (p.Arg2510=)

Gene: DMBT1 (deleted in malignant brain tumors 1; plus strand). Cytogenetic location: 10q26.13.
Variant type: single nucleotide variant.
Coding change: c.7530G>A on transcript NM_001377530.1 (MANE Select); coding-DNA position 7530, G replaced by A.
Protein change: p.Arg2510=; no amino-acid change (arginine 2510 retained).
Molecular consequence: synonymous variant.
Genome position (GRCh38, 1-based): chr10:122,643,299, G>A. VCF-style: chr10-122643299-G-A. GRCh37 (hg19) VCF-style: chr10-124402815-G-A.
Other names: c.7140G>A, p.Arg2380= (NM_001320644.2); c.5259G>A, p.Arg1753= (NM_004406.3); c.7143G>A, p.Arg2381= (NM_007329.3); c.7113G>A, p.Arg2371= (NM_017579.3).
Identifiers: ClinVar variation 2640943 (VCV002640943.24), dbSNP rs370642983, ClinGen allele CA5728542.

ClinVar aggregate classification (germline): Likely benign (1 of 4 stars; one submission).

Allele frequency attached by ClinVar (database versions not stated): ESP Exome Variant Server 0.00024; TOPMed 0.00026; gnomAD exomes 0.00036; ExAC 0.00043; gnomAD 0.00056.

Submission:

CeGaT Center for Human Genetics Tuebingen
Classification: Likely benign. Last evaluated: 2022-06-01. Review status: criteria provided, single submitter. Criteria: CeGaT Center For Human Genetics Tuebingen Variant Classification Criteria Version 2. Collection method: clinical testing. Allele origin: germline. Affected: yes. Observed: 1 variant allele.
Comment: DMBT1: BP4, BP7